The following is an entry in ClinVar:

NM_000135.4(FANCA):c.1882G>A (p.Ala628Thr)

Gene: FANCA (FA complementation group A; minus strand). Cytogenetic location: 16q24.3.
Variant type: single nucleotide variant.
Coding change: c.1882G>A on transcript NM_000135.4 (MANE Select); coding-DNA position 1882, G replaced by A.
Protein change: p.Ala628Thr; replaces alanine 628 with threonine.
Molecular consequence: missense variant.
Genome position (GRCh38, 1-based): chr16:89,775,760, C>T on the plus strand (G>A on the coding strand, the complement: FANCA is on the minus strand). VCF-style: chr16-89775760-C-T. GRCh37 (hg19) VCF-style: chr16-89842168-C-T.
Other names: c.1882G>A, p.Ala628Thr (NM_001286167.3); short protein forms A628T.
Identifiers: ClinVar variation 973639 (VCV000973639.8), dbSNP rs766422868, ClinGen allele CA8251990.

ClinVar aggregate classification (germline): Uncertain significance. Review status: criteria provided, multiple submitters, no conflicts (2 of 4 stars). 4 submissions from 4 submitters: Uncertain significance (3). 1 of the submissions does not count toward it. Last evaluated 2025-01-06.

Conditions:
Inborn genetic diseases. Identifiers: MedGen C0950123, MeSH D030342.
Fanconi anemia (FA). Also called: Fanconi's anemia. Identifiers: Orphanet 84, MedGen C0015625, MeSH D005199, MONDO:0019391.
Fanconi anemia complementation group A (FANCA). Also called: Fanconi anemia, group A; FANCA-Related Fanconi Anemia. Identifiers: Orphanet 84, MedGen C3469521, MONDO:0009215, OMIM 227650.

Allele frequency attached by ClinVar (database versions not stated): gnomAD exomes below 0.00001 and 0.00001; ExAC 0.00001.
gnomAD v4.1: 2 of 1,612,530 alleles (0.00012%); highest among the groups gnomAD compares: Non-Finnish European, 0.00017%; no homozygotes.

Submissions (4):

Ambry Genetics
Classification: Uncertain significance for Inborn genetic diseases. Last evaluated: 2025-01-06. Review status: criteria provided, single submitter. Criteria: Ambry Variant Classification Scheme 2023. Collection method: clinical testing. Allele origin: germline.
Comment: The p.A628T variant (also known as c.1882G>A), located in coding exon 21 of the FANCA gene, results from a G to A substitution at nucleotide position 1882. The alanine at codon 628 is replaced by threonine, an amino acid with similar properties. This amino acid position is conserved. In addition, this alteration is predicted to be tolerated by in silico analysis. Based on the available evidence, the clinical significance of this variant remains unclear.

GeneDx
Classification: Uncertain significance. Last evaluated: 2023-10-06. Review status: criteria provided, single submitter. Criteria: GeneDx Variant Classification Process June 2021. Collection method: clinical testing. Allele origin: germline. Affected: yes.
Comment: Not observed at significant frequency in large population cohorts (gnomAD); In silico analysis supports that this missense variant does not alter protein structure/function; Has not been previously published as pathogenic or benign to our knowledge

Labcorp Genetics (formerly Invitae), Labcorp
Classification: Uncertain significance for Fanconi anemia. Last evaluated: 2021-08-27. Review status: criteria provided, single submitter. Criteria: Invitae Variant Classification Sherloc (09022015). Collection method: clinical testing. Allele origin: germline.
Comment: This sequence change replaces alanine with threonine at codon 628 of the FANCA protein (p.Ala628Thr). The alanine residue is weakly conserved and there is a small physicochemical difference between alanine and threonine. This variant is present in population databases (rs766422868, ExAC 0.002%). This variant has not been reported in the literature in individuals affected with FANCA-related conditions. ClinVar contains an entry for this variant (Variation ID: 973639). Advanced modeling of protein sequence and biophysical properties (such as structural, functional, and spatial information, amino acid conservation, physicochemical variation, residue mobility, and thermodynamic stability) performed at Invitae indicates that this missense variant is not expected to disrupt FANCA protein function. In summary, the available evidence is currently insufficient to determine the role of this variant in disease. Therefore, it has been classified as a Variant of Uncertain Significance.

UOSD Laboratory of Genetics & Genomics of Rare Diseases, Istituto Giannina Gaslini
Classification: Uncertain significance for Fanconi anemia complementation group A. Last evaluated: 2020-05-21. Review status: no assertion criteria provided. Collection method: clinical testing. Allele origin: germline. Affected: yes. Observed: 1 variant allele. Not counted in ClinVar's aggregate classification.